The following is an entry in ClinVar:

NM_001348323.3(TRIP12):c.78A>C (p.Gln26His)

Gene: TRIP12 (thyroid hormone receptor interactor 12; minus strand). Cytogenetic location: 2q36.3.
Variant type: single nucleotide variant.
Coding change: c.78A>C on transcript NM_001348323.3 (MANE Select); coding-DNA position 78, A replaced by C.
Protein change: p.Gln26His; replaces glutamine 26 with histidine.
Molecular consequence: missense variant.
Genome position (GRCh38, 1-based): chr2:229,880,002, T>G on the plus strand (A>C on the coding strand, the complement: TRIP12 is on the minus strand). VCF-style: chr2-229880002-T-G. GRCh37 (hg19) VCF-style: chr2-230744718-T-G.
Other names: c.78A>C, p.Gln26His (NM_001284214.2, NM_001284215.2, NM_001284216.2 and 22 more transcripts); short protein forms Q26H.
Identifiers: ClinVar variation 1342601 (VCV001342601.1), dbSNP rs1046355070, ClinGen allele CA66728224.
Genomic context (GRCh38, chr2:229,880,002, plus strand): 5'-TTATTCCCAATTCCTTTTCAAATTACCATGAAATACATACCTTCCTCCTATTGAGTCGTC[T>G]TGTGGTTGGGCCCCGGCAGTGTTCCTCTGTGAACGTCGCAGTGACCCCCCTGGATTGTTA-3'
Protein context (NP_001335252.1, residues 16-36): SQRNTAGAQP[Gln26His]DDSIGGRSHL

ClinVar aggregate classification (germline): Uncertain significance (1 of 4 stars; one submission).

Conditions:
Clark-Baraitser syndrome. Also called: BARAITSER SYNDROME; Mental retardation, tall stature, obesity, macrocephaly and typical facial features; Intellectual disability, autosomal dominant 49; MENTAL RETARDATION, AUTOSOMAL DOMINANT 49. Identifiers: Orphanet 600731, MedGen C2931130, MONDO:0030914, OMIM 617752.

Allele frequency attached by ClinVar (database versions not stated): gnomAD exomes below 0.00001; gnomAD 0.00001; TOPMed 0.00006.
gnomAD v4.1: 6 of 1,614,074 alleles (0.00037%); highest among the groups gnomAD compares: Admixed American, 0.005%; no homozygotes.

Submission:

New York Genome Center
Classification: Uncertain significance for Clark-Baraitser syndrome. Last evaluated: 2021-05-17. Review status: criteria provided, single submitter. Criteria: NYGC Assertion Criteria 2020. Collection method: clinical testing. Allele origin: inherited. Observed: 1 heterozygote. Study: CSER-NYCKidSeq.
Comment: The inherited c.78A>C, p.Gln26His heterozygous missense variant identified in TRIP12 has not been reported in the literature. This variant has one heterozygous individual in the gnomAD v3.1 database, indicating a rare allele, and in silico tools predict a deleterious effect. Based on the available evidence, the inherited c.78A>C, p.Gln26His variant in the TRIP12 gene is classified as a variant of uncertain significance